The following is an entry in ClinVar:

NM_001127222.2(CACNA1A):c.3411dup (p.Lys1138fs)

Gene: CACNA1A (calcium voltage-gated channel subunit alpha1 A; minus strand). Cytogenetic location: 19p13.13.
Variant type: Duplication.
Coding change: c.3411dup on transcript NM_001127222.2 (MANE Select); coding-DNA position 3411, one base duplicated (C; older notation c.3411dupC).
Protein change: p.Lys1138fs; shifts the reading frame from lysine 1138.
Molecular consequence: frameshift variant.
Genome position (GRCh38, 1-based): chr19:13,286,645, G duplicated on the plus strand (C on the coding strand, the reverse complement: CACNA1A is on the minus strand); the first of 7 consecutive G bases (chr19:13,286,645-13,286,651); duplicating any one gives the same sequence. VCF-style (leftmost placement, unchanged base first): chr19-13286644-T-TG. GRCh37 (hg19) VCF-style: chr19-13397458-T-TG.
Other names: NP_001120693.1,p.Lys1139fs; c.3414dup (NM_000068.2); c.3414dupC (NM_001127221.2); c.3423dup, p.Lys1142fs (NM_000068.4, NM_023035.3); c.3414dup, p.Lys1139fs (NM_001127221.2, NM_001174080.2); short protein forms K1138fs, K1142fs, K1139fs.
Identifiers: ClinVar variation 808473 (VCV000808473.47), dbSNP rs746790849, ClinGen allele CA9240327.

ClinVar aggregate classification (germline): Pathogenic/Likely pathogenic. Review status: criteria provided, multiple submitters, no conflicts (2 of 4 stars). 4 submissions from 4 submitters: Pathogenic (2); Likely pathogenic (1). 1 of the submissions does not count toward it. Last evaluated 2025-04-17.

Conditions:
Episodic ataxia type 2 (EA2). Also called: ATAXIA, EPISODIC, WITH NYSTAGMUS; ATAXIA, FAMILIAL PAROXYSMAL; CEREBELLAR ATAXIA, PAROXYSMAL, ACETAZOLAMIDE-RESPONSIVE; CEREBELLOPATHY, HEREDITARY PAROXYSMAL; EPISODIC ATAXIA, NYSTAGMUS-ASSOCIATED; ACETAZOLAMIDE-RESPONSIVE HEREDITARY PAROXYSMAL CEREBELLAR ATAXIA. Identifiers: Orphanet 97, MedGen C1720416, MONDO:0007163, OMIM 108500.
Developmental and epileptic encephalopathy, 42 (DEE42A). Also called: Epileptic encephalopathy, early infantile, 42; DEVELOPMENTAL AND EPILEPTIC ENCEPHALOPATHY 42A; EPILEPTIC ENCEPHALOPATHY, EARLY INFANTILE, 42A. Identifiers: MedGen C4310716, MONDO:0014917, OMIM 617106.

Submissions (4):

Labcorp Genetics (formerly Invitae), Labcorp
Classification: Pathogenic for Developmental and epileptic encephalopathy, 42; Episodic ataxia type 2. Last evaluated: 2025-04-17. Review status: criteria provided, single submitter. Criteria: Invitae Variant Classification Sherloc (09022015). Collection method: clinical testing. Allele origin: germline.
Comment: This sequence change creates a premature translational stop signal (p.Lys1139Glnfs*6) in the CACNA1A gene. It is expected to result in an absent or disrupted protein product. Loss-of-function variants in CACNA1A are known to be pathogenic (PMID: 10371528, 19486177, 25735478, 27250579). The frequency data for this variant in the population databases is considered unreliable, as metrics indicate poor data quality at this position in the gnomAD database. This premature translational stop signal has been observed in individual(s) with episodic ataxia (PMID: 12736095). This variant is also known as Insertion C after 3689. ClinVar contains an entry for this variant (Variation ID: 808473). For these reasons, this variant has been classified as Pathogenic.

Athena Diagnostics
Classification: Pathogenic. Last evaluated: 2025-01-23. Review status: criteria provided, single submitter. Criteria: Athena Diagnostics Criteria. Collection method: clinical testing. Allele origin: unknown.
Comment: This variant is expected to result in the loss of a functional protein. The frequency of this variant in the general population is consistent with pathogenicity. This variant has been identified in at least one individual with clinical features associated with this gene. In some published literature, this variant is referred to as Insertion C (3689 + 1).

CeGaT Center for Human Genetics Tuebingen
Classification: Likely pathogenic. Last evaluated: 2019-04-01. Review status: criteria provided, single submitter. Criteria: CeGaT Center For Human Genetics Tuebingen Variant Classification Criteria Version 2. Collection method: clinical testing. Allele origin: germline. Affected: yes. Observed: 3 variant alleles.

Research Unit of Clinical Medicine, Medical Research Center Oulu, University of Oulu
Classification: Likely pathogenic for Episodic ataxia type 2. Last evaluated: 2021-07-06. Review status: no assertion criteria provided. Collection method: research. Allele origin: germline. Affected: yes. Observed: 1 variant allele. Not counted in ClinVar's aggregate classification.
Comment: The mutation causes a frameshift and early termination of the protein suggesting pathogenicity. However, functional studies and segregation analyses are required to confirm the pathogenicity of the variant.

Literature cited by the submitters: PubMed 10371528 (cited by Labcorp Genetics (formerly Invitae), Labcorp); PubMed 19486177 (cited by Labcorp Genetics (formerly Invitae), Labcorp); PubMed 25735478 (cited by Labcorp Genetics (formerly Invitae), Labcorp); PubMed 27250579 (cited by Labcorp Genetics (formerly Invitae), Labcorp); PubMed 12736095 (cited by Labcorp Genetics (formerly Invitae), Labcorp and Athena Diagnostics); PubMed 34600502 (cited by Athena Diagnostics); PubMed 39505308 (cited by Athena Diagnostics).